The following is an entry in ClinVar:

ClinVar aggregate classification (germline): Likely benign. Review status: criteria provided, multiple submitters, no conflicts (2 of 4 stars). 4 submissions from 4 submitters: Likely benign (3). 1 of the submissions does not count toward it. Last evaluated 2025-11-18.

Conditions:
Inborn genetic diseases. Identifiers: MedGen C0950123, MeSH D030342.
RECQL4-related disorder. Also called: RECQL4-related condition; RECQL4-related disorders.
Baller-Gerold syndrome (BGS). Also called: CRANIOSYNOSTOSIS WITH RADIAL DEFECTS. Identifiers: Orphanet 1225, MedGen C0265308, MONDO:0009039, OMIM 218600.

Allele frequency attached by ClinVar (database versions not stated): ExAC 0.00005; gnomAD 0.00005 and 0.00008; ESP Exome Variant Server 0.00008; TOPMed 0.00012.
gnomAD v4.1: 24 of 1,612,026 alleles (0.0015%); highest among the groups gnomAD compares: Admixed American, 0.015%; no homozygotes.

Submissions (4):

Labcorp Genetics (formerly Invitae), Labcorp
Classification: Likely benign for Baller-Gerold syndrome. Last evaluated: 2025-11-18. Review status: criteria provided, single submitter. Criteria: Invitae Variant Classification Sherloc (09022015). Collection method: clinical testing. Allele origin: germline.

Ambry Genetics
Classification: Likely benign for Inborn genetic diseases. Last evaluated: 2024-11-30. Review status: criteria provided, single submitter. Criteria: Ambry Variant Classification Scheme 2023. Collection method: clinical testing. Allele origin: germline.

Blueprint Genetics
Classification: Likely benign. Last evaluated: 2023-07-07. Review status: criteria provided, single submitter. Criteria: ACMG Guidelines, 2015. Collection method: clinical testing. Allele origin: germline.

PreventionGenetics, part of Exact Sciences
Classification: Likely benign for RECQL4-related condition. Last evaluated: 2020-07-21. Review status: no assertion criteria provided. Collection method: clinical testing. Allele origin: germline. Not counted in ClinVar's aggregate classification.
Comment: This variant is classified as likely benign based on ACMG/AMP sequence variant interpretation guidelines (Richards et al. 2015 PMID: 25741868, with internal and published modifications).

NM_004260.4(RECQL4):c.1647G>A (p.Lys549=)

Gene: RECQL4 (RecQ like helicase 4; minus strand). Cytogenetic location: 8q24.3.
Variant type: single nucleotide variant.
Coding change: c.1647G>A on transcript NM_004260.4 (MANE Select); coding-DNA position 1647, G replaced by A.
Protein change: p.Lys549=; no amino-acid change (lysine 549 retained).
Molecular consequence: synonymous variant.
Genome position (GRCh38, 1-based): chr8:144,514,499, C>T on the plus strand (G>A on the coding strand, the complement: RECQL4 is on the minus strand). VCF-style: chr8-144514499-C-T. GRCh37 (hg19) VCF-style: chr8-145739883-C-T.
Identifiers: ClinVar variation 459338 (VCV000459338.14), dbSNP rs371972881, ClinGen allele CA4948727.